The following is an entry in ClinVar:

ClinVar aggregate classification (germline): Likely benign (1 of 4 stars; one submission).

gnomAD v4.1: 215 of 1,613,954 alleles (0.013%); highest among the groups gnomAD compares: Non-Finnish European, 0.016%; no homozygotes.

Submission:

Mayo Clinic Laboratories, Mayo Clinic
Classification: Likely benign. Last evaluated: 2025-03-24. Review status: criteria provided, single submitter. Criteria: ACMG Guidelines, 2015. Collection method: clinical testing. Allele origin: germline. Observed: 1 variant allele.
Comment: BP4, BP7

NM_002863.5(PYGL):c.1828-21G>T

Gene: PYGL (glycogen phosphorylase L; minus strand). Cytogenetic location: 14q22.1.
Variant type: single nucleotide variant.
Coding change: c.1828-21G>T on transcript NM_002863.5 (MANE Select); 21 bases into the intron before coding-DNA position 1828, G replaced by T.
Molecular consequence: intron variant.
Genome position (GRCh38, 1-based): chr14:50,911,892, C>A on the plus strand (G>T on the coding strand, the complement: PYGL is on the minus strand). VCF-style: chr14-50911892-C-A. GRCh37 (hg19) VCF-style: chr14-51378610-C-A.
Other names: p.?; c.1726-21G>T (NM_001163940.2).
Identifiers: ClinVar variation 4683856 (VCV004683856.1).